The following is an entry in ClinVar:

NM_001395413.1(POR):c.562G>C (p.Val188Leu)

Gene: POR (cytochrome p450 oxidoreductase; plus strand). Cytogenetic location: 7q11.23.
Variant type: single nucleotide variant.
Coding change: c.562G>C on transcript NM_001395413.1 (MANE Select); coding-DNA position 562, G replaced by C.
Protein change: p.Val188Leu; replaces valine 188 with leucine.
Molecular consequence: missense variant.
Genome position (GRCh38, 1-based): chr7:75,981,102, G>C. VCF-style: chr7-75981102-G-C. GRCh37 (hg19) VCF-style: chr7-75610420-G-C.
Other names: c.562G>C, p.Val188Leu (NM_001367562.3, NM_001382657.2, NM_001382658.3 and 2 more transcripts); c.616G>C, p.Val206Leu (NM_001382655.3); short protein forms V188L, V206L.
Identifiers: ClinVar variation 211953 (VCV000211953.14), dbSNP rs201513102, ClinGen allele CA209056.

ClinVar aggregate classification (germline): Uncertain significance. Review status: criteria provided, multiple submitters, no conflicts (2 of 4 stars). 6 submissions from 6 submitters: Uncertain significance (6). Last evaluated 2025-03-17.

Conditions:
POR-related disorder. Also called: POR-related condition.
Congenital adrenal hyperplasia due to cytochrome P450 oxidoreductase deficiency. Also called: DISORDERED STEROIDOGENESIS DUE TO POR DEFICIENCY. Identifiers: Orphanet 95699, MedGen C1860042, MONDO:0013310, OMIM 613571.
Antley-Bixler syndrome with genital anomalies and disordered steroidogenesis (ABS1). Also called: POR Deficiency. Identifiers: Orphanet 63269, MedGen C3150099, MONDO:0008726, OMIM 201750.

Allele frequency attached by ClinVar (database versions not stated): TOPMed 0.00023; ESP Exome Variant Server 0.00032.

Submissions (6):

PreventionGenetics, part of Exact Sciences
Classification: Uncertain significance for POR-related condition. Last evaluated: 2025-03-17. Review status: criteria provided, single submitter. Criteria: ACMG Guidelines, 2015. Collection method: clinical testing. Allele origin: germline.
Comment: The POR c.571G>C variant is predicted to result in the amino acid substitution p.Val191Leu. To our knowledge, this variant has not been reported in the literature. This variant is reported in 0.065% of alleles in individuals of European (Non-Finnish) descent in gnomAD. Although we suspect that this variant may be benign, at this time, the clinical significance of this variant is uncertain due to the absence of conclusive functional and genetic evidence.

GeneDx
Classification: Uncertain significance. Last evaluated: 2023-03-17. Review status: criteria provided, single submitter. Criteria: GeneDx Variant Classification Process June 2021. Collection method: clinical testing. Allele origin: germline. Affected: yes.
Comment: In silico analysis supports that this missense variant does not alter protein structure/function; Has not been previously published as pathogenic or benign to our knowledge

Labcorp Genetics (formerly Invitae), Labcorp
Classification: Uncertain significance for Congenital adrenal hyperplasia due to cytochrome P450 oxidoreductase deficiency. Last evaluated: 2022-09-27. Review status: criteria provided, single submitter. Criteria: Invitae Variant Classification Sherloc (09022015). Collection method: clinical testing. Allele origin: germline.
Comment: This sequence change replaces valine, which is neutral and non-polar, with leucine, which is neutral and non-polar, at codon 191 of the POR protein (p.Val191Leu). This variant is present in population databases (rs201513102, gnomAD 0.06%). This variant has not been reported in the literature in individuals affected with POR-related conditions. ClinVar contains an entry for this variant (Variation ID: 211953). Advanced modeling of protein sequence and biophysical properties (such as structural, functional, and spatial information, amino acid conservation, physicochemical variation, residue mobility, and thermodynamic stability) performed at Invitae indicates that this missense variant is not expected to disrupt POR protein function. In summary, the available evidence is currently insufficient to determine the role of this variant in disease. Therefore, it has been classified as a Variant of Uncertain Significance.

Department of Pathology and Laboratory Medicine, Sinai Health System
Classification: Uncertain significance for Antley-Bixler syndrome with genital anomalies and disordered steroidogenesis. Last evaluated: 2021-04-06. Review status: criteria provided, single submitter. Criteria: ACMG Guidelines, 2015. Collection method: research. Allele origin: germline.

Illumina Laboratory Services, Illumina
Classification: Uncertain significance for Congenital adrenal hyperplasia due to cytochrome P450 oxidoreductase deficiency. Last evaluated: 2018-01-13. Review status: criteria provided, single submitter. Criteria: ICSL Variant Classification Criteria 13 December 2019. Collection method: clinical testing. Allele origin: germline.

Genetic Services Laboratory, University of Chicago
Classification: Uncertain significance. Last evaluated: 2015-01-14. Review status: criteria provided, single submitter. Criteria: ACMG Guidelines, 2015. Collection method: clinical testing. Allele origin: germline.